The following is an entry in ClinVar:

ClinVar aggregate classification (germline): Likely benign (1 of 4 stars; one submission).

Submission:

CeGaT Center for Human Genetics Tuebingen
Classification: Likely benign. Last evaluated: 2025-02-01. Review status: criteria provided, single submitter. Criteria: CeGaT Center For Human Genetics Tuebingen Variant Classification Criteria Version 2. Collection method: clinical testing. Allele origin: germline. Affected: yes. Observed: 1 variant allele.
Comment: NARS1: PM2:Supporting, BP4, BP7

NM_004539.4(NARS1):c.429T>C (p.Asn143=)

Gene: NARS1 (asparaginyl-tRNA synthetase 1; minus strand). Cytogenetic location: 18q21.31.
Variant type: single nucleotide variant.
Coding change: c.429T>C on transcript NM_004539.4 (MANE Select); coding-DNA position 429, T replaced by C.
Protein change: p.Asn143=; no amino-acid change (asparagine 143 retained).
Molecular consequence: synonymous variant.
Genome position (GRCh38, 1-based): chr18:57,611,700, A>G on the plus strand (T>C on the coding strand, the complement: NARS1 is on the minus strand). VCF-style: chr18-57611700-A-G. GRCh37 (hg19) VCF-style: chr18-55278932-A-G.
Identifiers: ClinVar variation 3772485 (VCV003772485.13).